The following is an entry in ClinVar:

NM_000719.7(CACNA1C):c.5495C>T (p.Ser1832Phe)

Genes: CACNA1C (calcium voltage-gated channel subunit alpha1 C; plus strand), CACNA1C-AS1 (CACNA1C antisense RNA 1; minus strand). Cytogenetic location: 12p13.33.
Variant type: single nucleotide variant.
Coding change: c.5495C>T on transcript NM_000719.7 (MANE Select); coding-DNA position 5495, C replaced by T.
Protein change: p.Ser1832Phe; replaces serine 1832 with phenylalanine.
Molecular consequence: missense variant.
Genome position (GRCh38, 1-based): chr12:2,682,600, C>T. VCF-style: chr12-2682600-C-T. GRCh37 (hg19) VCF-style: chr12-2791766-C-T.
Other names: c.5639C>T, p.Ser1880Phe (NM_001129827.2); c.5618C>T, p.Ser1873Phe (NM_001129829.2); c.5600C>T, p.Ser1867Phe (NM_001129830.3, NM_001167624.3); c.5579C>T, p.Ser1860Phe (NM_001129831.2); c.5555C>T, p.Ser1852Phe (NM_001129832.2); c.5552C>T, p.Ser1851Phe (NM_001129833.2, NM_001129834.2, NM_001129835.2); c.5546C>T, p.Ser1849Phe (NM_001129836.2); c.5519C>T, p.Ser1840Phe (NM_001129837.2, NM_001129838.2); and 6 more; short protein forms S1821F, S1829F, S1832F, S1838F, S1840F, S1849F, S1851F, S1852F.
Identifiers: ClinVar variation 4801354 (VCV004801354.1).
Genomic context (GRCh38, chr12:2,682,600, plus strand): 5'-GATATTGTAGGTGCCACTCCCGGGAGAGCCAGGCAGCCATGGCGGGTCAGGAGGAGACGT[C>T]TCAGGATGAGACCTATGAAGTGAAGATGAACCATGACACGGAGGCCTGCAGTGAGCCCAG-3'
Protein context (NP_000710.5, residues 1822-1842): QAAMAGQEET[Ser1832Phe]QDETYEVKMN

ClinVar aggregate classification (germline): Uncertain significance (1 of 4 stars; one submission).

Conditions:
Long QT syndrome (LQTS). Identifiers: MedGen C0023976, MeSH D008133, MONDO:0002442. Disease mechanism: loss of function. Inheritance: Various modes of inheritance.

gnomAD v4.1: 1 of 1,612,494 alleles (0.000062%); highest among the groups gnomAD compares: Non-Finnish European, 0.000085%; no homozygotes.

Submission:

Labcorp Genetics (formerly Invitae), Labcorp
Classification: Uncertain significance for Long QT syndrome. Last evaluated: 2025-11-24. Review status: criteria provided, single submitter. Criteria: Invitae Variant Classification Sherloc (09022015). Collection method: clinical testing. Allele origin: germline.
Comment: This sequence change replaces serine, which is neutral and polar, with phenylalanine, which is neutral and non-polar, at codon 1832 of the CACNA1C protein (p.Ser1832Phe). This variant is not present in population databases (gnomAD no frequency). This variant has not been reported in the literature in individuals affected with CACNA1C-related conditions. Invitae Evidence Modeling of protein sequence and biophysical properties (such as structural, functional, and spatial information, amino acid conservation, physicochemical variation, residue mobility, and thermodynamic stability) indicates that this missense variant is not expected to disrupt CACNA1C protein function with a negative predictive value of 95%. In summary, the available evidence is currently insufficient to determine the role of this variant in disease. Therefore, it has been classified as a Variant of Uncertain Significance.